The following is an entry in ClinVar:

ClinVar aggregate classification (germline): Benign. Review status: criteria provided, multiple submitters, no conflicts (2 of 4 stars). 3 submissions from 3 submitters: Benign (3). Last evaluated 2021-09-10.

Conditions:
Asphyxiating thoracic dystrophy 4 (SRTD4). Also called: SHORT-RIB THORACIC DYSPLASIA 4 WITH OR WITHOUT POLYDACTYLY; SHORT-RIB THORACIC DYSPLASIA 4. Identifiers: Orphanet 474, MedGen C3151185, MONDO:0013441, OMIM 613819.

Allele frequency attached by ClinVar (database versions not stated): gnomAD exomes 0.36514 and 0.38675; 1000 Genomes Project 0.36542; ExAC 0.36805; 1000 Genomes Project 30x 0.37274; gnomAD 0.40054 and 0.40515; TOPMed 0.40322; ESP Exome Variant Server 0.40512.
gnomAD v4.1: 575,278 of 1,481,742 alleles (39%); highest among the groups gnomAD compares: African/African-American, 45%; 113,125 homozygotes.

Submissions (3):

Genome-Nilou Lab
Classification: Benign for Asphyxiating thoracic dystrophy 4. Last evaluated: 2021-09-10. Review status: criteria provided, single submitter. Criteria: ACMG Guidelines, 2015. Collection method: clinical testing. Allele origin: germline. Affected: no.

GeneDx
Classification: Benign. Last evaluated: 2018-06-16. Review status: criteria provided, single submitter. Criteria: GeneDx Variant Classification (06012015). Collection method: clinical testing. Allele origin: germline. Affected: yes.
Comment: This variant is considered likely benign or benign based on one or more of the following criteria: it is a conservative change, it occurs at a poorly conserved position in the protein, it is predicted to be benign by multiple in silico algorithms, and/or has population frequency not consistent with disease.

Breakthrough Genomics
Classification: Benign. Review status: criteria provided, single submitter. Criteria: ACMG Guidelines, 2015. Collection method: not provided. Allele origin: germline. Inheritance: Autosomal recessive inheritance. Affected: yes.

NM_024753.5(TTC21B):c.2138+48G>A

Gene: TTC21B (tetratricopeptide repeat domain 21B; minus strand). Cytogenetic location: 2q24.3.
Variant type: single nucleotide variant.
Coding change: c.2138+48G>A on transcript NM_024753.5 (MANE Select); 48 bases into the intron after coding-DNA position 2138, G replaced by A.
Molecular consequence: intron variant.
Genome position (GRCh38, 1-based): chr2:165,915,153, C>T on the plus strand (G>A on the coding strand, the complement: TTC21B is on the minus strand). VCF-style: chr2-165915153-C-T. GRCh37 (hg19) VCF-style: chr2-166771663-C-T.
Identifiers: ClinVar variation 674966 (VCV000674966.4), dbSNP rs7590559, ClinGen allele CA1941924.